The following is an entry in ClinVar:

ClinVar aggregate classification (germline): Conflicting classifications of pathogenicity. Review status: criteria provided, conflicting classifications (1 of 4 stars). 3 submissions from 3 submitters: Uncertain significance (2); Likely benign (1). Last evaluated 2024-05-03.

Conditions:
Kabuki syndrome 1 (KABUK1). Also called: KMT2D-Related Kabuki Syndrome. Identifiers: Orphanet 2322, MedGen CN030661, MONDO:0007843, OMIM 147920.
Choanal atresia-athelia-hypothyroidism-delayed puberty-short stature syndrome (BCAHH). Also called: BRANCHIAL ARCH ABNORMALITIES, CHOANAL ATRESIA, ATHELIA, HEARING LOSS, AND HYPOTHYROIDISM SYNDROME. Identifiers: Orphanet 589856, MedGen C5680310, MONDO:0035651, OMIM 620186.
Inborn genetic diseases. Identifiers: MedGen C0950123, MeSH D030342.

Allele frequency attached by ClinVar (database versions not stated): TOPMed below 0.00001; gnomAD 0.00001.
gnomAD v4.1: 1 of 1,611,980 alleles (0.000062%); highest among the groups gnomAD compares: Non-Finnish European, 0.000085%; no homozygotes.

Submissions (3):

Fulgent Genetics
Classification: Uncertain significance for Kabuki syndrome 1; Choanal atresia-athelia-hypothyroidism-delayed puberty-short stature syndrome. Last evaluated: 2024-05-03. Review status: criteria provided, single submitter. Criteria: ACMG Guidelines, 2015. Collection method: clinical testing. Allele origin: germline.

CeGaT Center for Human Genetics Tuebingen
Classification: Likely benign. Last evaluated: 2023-08-01. Review status: criteria provided, single submitter. Criteria: CeGaT Center For Human Genetics Tuebingen Variant Classification Criteria Version 2. Collection method: clinical testing. Allele origin: germline. Affected: yes. Observed: 1 variant allele.
Comment: KMT2D: PP2, BS2

Ambry Genetics
Classification: Uncertain significance for Inborn genetic diseases. Last evaluated: 2022-11-08. Review status: criteria provided, single submitter. Criteria: Ambry Variant Classification Scheme 2023. Collection method: clinical testing. Allele origin: germline.

NM_003482.4(KMT2D):c.4177C>T (p.His1393Tyr)

Gene: KMT2D (lysine methyltransferase 2D; minus strand). Cytogenetic location: 12q13.12.
Variant type: single nucleotide variant.
Coding change: c.4177C>T on transcript NM_003482.4 (MANE Select); coding-DNA position 4177, C replaced by T.
Protein change: p.His1393Tyr; replaces histidine 1393 with tyrosine.
Molecular consequence: missense variant.
Genome position (GRCh38, 1-based): chr12:49,048,024, G>A on the plus strand (C>T on the coding strand, the complement: KMT2D is on the minus strand). VCF-style: chr12-49048024-G-A. GRCh37 (hg19) VCF-style: chr12-49441807-G-A.
Other names: short protein forms H1393Y.
Identifiers: ClinVar variation 2323929 (VCV002323929.27), dbSNP rs1371109456, ClinGen allele CA384649508.